The following is an entry in ClinVar:

ClinVar aggregate classification (germline): Pathogenic. Review status: criteria provided, multiple submitters, no conflicts (2 of 4 stars). 2 submissions from 2 submitters: Pathogenic (2). Last evaluated 2023-08-02.

Conditions:
Hereditary antithrombin deficiency (AT3D). Also called: Antithrombin deficiency; Reduced antithrombin III activity; Antithrombin III deficiency; Thrombophilia due to antithrombin III deficiency. Identifiers: Orphanet 82, MedGen C0272375, MONDO:0013144, OMIM 613118, HP:0001976.

Submissions (2):

Greenwood Genetic Center Diagnostic Laboratories, Greenwood Genetic Center
Classification: Pathogenic for Hereditary antithrombin deficiency. Last evaluated: 2023-08-02. Review status: criteria provided, single submitter. Criteria: ACMG Guidelines, 2015. Collection method: clinical testing. Allele origin: germline. Affected: yes.
Comment: PS3, PM1, PM2, Pp1, PP3

Labcorp Genetics (formerly Invitae), Labcorp
Classification: Pathogenic for Hereditary antithrombin deficiency. Last evaluated: 2022-05-19. Review status: criteria provided, single submitter. Criteria: Invitae Variant Classification Sherloc (09022015). Collection method: clinical testing. Allele origin: germline.
Comment: For these reasons, this variant has been classified as Pathogenic. Algorithms developed to predict the effect of missense changes on protein structure and function (SIFT, PolyPhen-2, Align-GVGD) all suggest that this variant is likely to be disruptive. This missense change has been observed in individual(s) with antithrombin deficiency (PMID: 8274732). It has also been observed to segregate with disease in related individuals. This variant is not present in population databases (gnomAD no frequency). This sequence change replaces glycine, which is neutral and non-polar, with arginine, which is basic and polar, at codon 456 of the SERPINC1 protein (p.Gly456Arg).

Literature cited by the submitters: PubMed 8274732 (cited by Labcorp Genetics (formerly Invitae), Labcorp).

NM_000488.4(SERPINC1):c.1366G>C (p.Gly456Arg)

Gene: SERPINC1 (serpin family C member 1; minus strand). Cytogenetic location: 1q25.1.
Variant type: single nucleotide variant.
Coding change: c.1366G>C on transcript NM_000488.4 (MANE Select); coding-DNA position 1366, G replaced by C.
Protein change: p.Gly456Arg; replaces glycine 456 with arginine.
Molecular consequence: missense variant.
Genome position (GRCh38, 1-based): chr1:173,903,918, C>G on the plus strand (G>C on the coding strand, the complement: SERPINC1 is on the minus strand). VCF-style: chr1-173903918-C-G. GRCh37 (hg19) VCF-style: chr1-173873056-C-G.
Other names: c.1222G>C, p.Gly408Arg (NM_001365052.2); c.1489G>C, p.Gly497Arg (NM_001386302.1); c.1447G>C, p.Gly483Arg (NM_001386303.1); c.1345G>C, p.Gly449Arg (NM_001386304.1); c.1309G>C, p.Gly437Arg (NM_001386305.1); c.1150G>C, p.Gly384Arg (NM_001386306.1); short protein forms G456R, G497R, G437R, G483R, G408R, G384R, G449R.
Identifiers: ClinVar variation 2202883 (VCV002202883.5), dbSNP rs2526542281, ClinGen allele CA343772104.